The following is an entry in ClinVar:

ClinVar aggregate classification (germline): Uncertain significance (1 of 4 stars; one submission).

gnomAD v4.1: 4 of 1,613,684 alleles (0.00025%); highest among the groups gnomAD compares: Non-Finnish European, 0.00034%; no homozygotes.

Submission:

Labcorp Genetics (formerly Invitae), Labcorp
Classification: Uncertain significance. Last evaluated: 2022-11-22. Review status: criteria provided, single submitter. Criteria: Invitae Variant Classification Sherloc (09022015). Collection method: clinical testing. Allele origin: germline.
Comment: In summary, the available evidence is currently insufficient to determine the role of this variant in disease. Therefore, it has been classified as a Variant of Uncertain Significance. Variants that disrupt the consensus splice site are a relatively common cause of aberrant splicing (PMID: 17576681, 9536098). Algorithms developed to predict the effect of sequence changes on RNA splicing suggest that this variant is not likely to affect RNA splicing. ClinVar contains an entry for this variant (Variation ID: 1507869). This variant has not been reported in the literature in individuals affected with IMPG2-related conditions. This variant is not present in population databases (gnomAD no frequency). This sequence change falls in intron 3 of the IMPG2 gene. It does not directly change the encoded amino acid sequence of the IMPG2 protein. It affects a nucleotide within the consensus splice site.

Literature cited by the submitters: PubMed 17576681; PubMed 9536098.

NM_016247.4(IMPG2):c.501+3A>G

Gene: IMPG2 (interphotoreceptor matrix proteoglycan 2; minus strand). Cytogenetic location: 3q12.3.
Variant type: single nucleotide variant.
Coding change: c.501+3A>G on transcript NM_016247.4 (MANE Select); 3 bases into the intron after coding-DNA position 501, A replaced by G.
Molecular consequence: intron variant.
Genome position (GRCh38, 1-based): chr3:101,304,143, T>C on the plus strand (A>G on the coding strand, the complement: IMPG2 is on the minus strand). VCF-style: chr3-101304143-T-C. GRCh37 (hg19) VCF-style: chr3-101022987-T-C.
Identifiers: ClinVar variation 1507869 (VCV001507869.6), dbSNP rs1451982555, ClinGen allele CA2573136395.
Genomic context (GRCh38, chr3:101,304,143, plus strand): 5'-GCCTTAGCTGTGTAAATGCTCCTACAATAGTCCAGGAATCCCTTCCTTTGTTGTGACACT[T>C]ACCTTCATGATTAAGCTTCTATGTTCCACAGATTCACTAAAATTTGTGCCCATTTCAAAT-3'